The following is an entry in ClinVar:

NM_002184.4(IL6ST):c.671C>T (p.Pro224Leu)

Gene: IL6ST (interleukin 6 cytokine family signal transducer; minus strand). Cytogenetic location: 5q11.2.
Variant type: single nucleotide variant.
Coding change: c.671C>T on transcript NM_002184.4 (MANE Select); coding-DNA position 671, C replaced by T.
Protein change: p.Pro224Leu; replaces proline 224 with leucine.
Molecular consequence: missense variant. On other transcripts: 5 prime UTR variant (3), non-coding transcript variant (2).
Genome position (GRCh38, 1-based): chr5:55,963,494, G>A on the plus strand (C>T on the coding strand, the complement: IL6ST is on the minus strand). VCF-style: chr5-55963494-G-A. GRCh37 (hg19) VCF-style: chr5-55259322-G-A.
Other names: c.671C>T (NM_002184.3); c.671C>T, p.Pro224Leu (NM_001190981.2, NM_001364275.2, NM_175767.3); c.461C>T, p.Pro154Leu (NM_001364276.2); c.-243C>T (NM_001364277.2, NM_001364279.2); c.-233C>T (NM_001364278.2); short protein forms P154L, P224L.
Identifiers: ClinVar variation 2975952 (VCV002975952.4), dbSNP rs763726030, ClinGen allele CA3271637.
Genomic context (GRCh38, chr5:55,963,494, plus strand): 5'-CATGTCAATTTTAAGATACTAGACAGTTCCTCTGAGTTGATCACTGATAAATTATGTGGC[G>A]GATTGGGCTTCACTGAAAAATAAAATAAATCCTAAGGTTTATTATGTTTTCCAATTTCAT-3'
Protein context (NP_002175.2, residues 214-234): FDPVYKVKPN[Pro224Leu]PHNLSVINSE

ClinVar aggregate classification (germline): Uncertain significance. Review status: criteria provided, multiple submitters, no conflicts (2 of 4 stars). 2 submissions from 2 submitters: Uncertain significance (2). Last evaluated 2024-09-24.

Allele frequency attached by ClinVar (database versions not stated): gnomAD 0.00001; gnomAD exomes 0.00001; TOPMed 0.00001; ExAC 0.00006.
gnomAD v4.1: 17 of 1,604,102 alleles (0.0011%); highest among the groups gnomAD compares: Middle Eastern, 0.017%; no homozygotes.

Submissions (2):

Ambry Genetics
Classification: Uncertain significance. Last evaluated: 2024-09-24. Review status: criteria provided, single submitter. Criteria: Ambry Variant Classification Scheme 2023. Collection method: clinical testing. Allele origin: germline.

Labcorp Genetics (formerly Invitae), Labcorp
Classification: Uncertain significance. Last evaluated: 2023-02-08. Review status: criteria provided, single submitter. Criteria: Invitae Variant Classification Sherloc (09022015). Collection method: clinical testing. Allele origin: germline.
Comment: This variant is present in population databases (rs763726030, gnomAD 0.03%). This sequence change replaces proline, which is neutral and non-polar, with leucine, which is neutral and non-polar, at codon 224 of the IL6ST protein (p.Pro224Leu). This variant has not been reported in the literature in individuals affected with IL6ST-related conditions. In summary, the available evidence is currently insufficient to determine the role of this variant in disease. Therefore, it has been classified as a Variant of Uncertain Significance. Algorithms developed to predict the effect of missense changes on protein structure and function are either unavailable or do not agree on the potential impact of this missense change (SIFT: "Tolerated"; PolyPhen-2: "Probably Damaging"; Align-GVGD: "Class C0").